The following is an entry in ClinVar:

NM_015295.3(SMCHD1):c.4412C>G (p.Thr1471Arg)

Gene: SMCHD1 (structural maintenance of chromosomes flexible hinge domain containing 1; plus strand). Cytogenetic location: 18p11.32.
Variant type: single nucleotide variant.
Coding change: c.4412C>G on transcript NM_015295.3 (MANE Select); coding-DNA position 4412, C replaced by G.
Protein change: p.Thr1471Arg; replaces threonine 1471 with arginine.
Molecular consequence: missense variant.
Genome position (GRCh38, 1-based): chr18:2,760,717, C>G. VCF-style: chr18-2760717-C-G. GRCh37 (hg19) VCF-style: chr18-2760715-C-G.
Other names: short protein forms T1471R.
Identifiers: ClinVar variation 2917619 (VCV002917619.3), dbSNP rs766789106, ClinGen allele CA8871467.
Genomic context (GRCh38, chr18:2,760,717, plus strand): 5'-AAGTAATTCCTAATAAAGTGGGGACATATTGTATCCAGTTTGGTTTTATGATGGATAAAA[C>G]AAATATTCTCAACAGTGAACAGGTTTGCTTACTTTTTTTATATACCACAGTTAGCTTTAC-3'
Protein context (NP_056110.2, residues 1461-1481): CIQFGFMMDK[Thr1471Arg]NILNSEQVIV

ClinVar aggregate classification (germline): Uncertain significance (1 of 4 stars; one submission).

Conditions:
Facioscapulohumeral muscular dystrophy 2 (FSHD2). Also called: MUSCULAR DYSTROPHY, FACIOSCAPULOHUMERAL, TYPE 1B; FACIOSCAPULOHUMERAL MUSCULAR DYSTROPHY 2, DIGENIC; FSHD2, DIGENIC. Identifiers: Orphanet 269, MedGen C1834671, MONDO:0008031, OMIM 158901.

Allele frequency attached by ClinVar (database versions not stated): TOPMed below 0.00001; gnomAD 0.00001; gnomAD exomes 0.00001.
gnomAD v4.1: 12 of 1,599,252 alleles (0.00075%); highest among the groups gnomAD compares: African/African-American, 0.012%; no homozygotes.

Submission:

Labcorp Genetics (formerly Invitae), Labcorp
Classification: Uncertain significance for Facioscapulohumeral muscular dystrophy 2. Last evaluated: 2023-01-07. Review status: criteria provided, single submitter. Criteria: Invitae Variant Classification Sherloc (09022015). Collection method: clinical testing. Allele origin: germline.
Comment: Advanced modeling of protein sequence and biophysical properties (such as structural, functional, and spatial information, amino acid conservation, physicochemical variation, residue mobility, and thermodynamic stability) performed at Invitae indicates that this missense variant is not expected to disrupt SMCHD1 protein function. In summary, the available evidence is currently insufficient to determine the role of this variant in disease. Therefore, it has been classified as a Variant of Uncertain Significance. This variant has not been reported in the literature in individuals affected with SMCHD1-related conditions. This variant is present in population databases (rs766789106, gnomAD 0.003%). This sequence change replaces threonine, which is neutral and polar, with arginine, which is basic and polar, at codon 1471 of the SMCHD1 protein (p.Thr1471Arg).